The following is an entry in ClinVar:

NM_001378743.1(CYLD):c.534C>T (p.Asp178=)

Gene: CYLD (CYLD lysine 63 deubiquitinase; plus strand). Cytogenetic location: 16q12.1.
Variant type: single nucleotide variant.
Coding change: c.534C>T on transcript NM_001378743.1 (MANE Select); coding-DNA position 534, C replaced by T.
Protein change: p.Asp178=; no amino-acid change (aspartic acid 178 retained).
Molecular consequence: synonymous variant. On other transcripts: 5 prime UTR variant (2), non-coding transcript variant (1).
Genome position (GRCh38, 1-based): chr16:50,751,633, C>T. VCF-style: chr16-50751633-C-T. GRCh37 (hg19) VCF-style: chr16-50785544-C-T.
Other names: c.534C>T, p.Asp178= (NM_001042355.2, NM_001042412.3, NM_001378744.1 and 10 more transcripts); c.-133C>T (NM_001378754.1, NM_001378755.1).
Identifiers: ClinVar variation 2646513 (VCV002646513.25), dbSNP rs377383082, ClinGen allele CA8052203.

ClinVar aggregate classification (germline): Likely benign. Review status: criteria provided, multiple submitters, no conflicts (2 of 4 stars). 2 submissions from 2 submitters: Likely benign (2). Last evaluated 2024-11-22.

Allele frequency attached by ClinVar (database versions not stated): TOPMed 0.00001; gnomAD 0.00002; gnomAD exomes 0.00002; ExAC 0.00003; ESP Exome Variant Server 0.00008.
gnomAD v4.1: 27 of 1,613,466 alleles (0.0017%); highest among the groups gnomAD compares: South Asian, 0.013%; no homozygotes.

Submissions (2):

Blueprint Genetics
Classification: Likely benign. Last evaluated: 2024-11-22. Review status: criteria provided, single submitter. Criteria: ACMG Guidelines, 2015. Collection method: clinical testing. Allele origin: germline.

CeGaT Center for Human Genetics Tuebingen
Classification: Likely benign. Last evaluated: 2024-09-01. Review status: criteria provided, single submitter. Criteria: CeGaT Center For Human Genetics Tuebingen Variant Classification Criteria Version 2. Collection method: clinical testing. Allele origin: germline. Affected: yes. Observed: 2 variant alleles.
Comment: CYLD: BP4, BP7